The following is an entry in ClinVar:

NM_003361.4(UMOD):c.817G>T (p.Val273Phe)

Gene: UMOD (uromodulin; minus strand). Cytogenetic location: 16p12.3.
Variant type: single nucleotide variant.
Coding change: c.817G>T on transcript NM_003361.4 (MANE Select); coding-DNA position 817, G replaced by T.
Protein change: p.Val273Phe; replaces valine 273 with phenylalanine.
Molecular consequence: missense variant. On other transcripts: non-coding transcript variant (1).
Genome position (GRCh38, 1-based): chr16:20,348,484, C>A on the plus strand (G>T on the coding strand, the complement: UMOD is on the minus strand). VCF-style: chr16-20348484-C-A. GRCh37 (hg19) VCF-style: chr16-20359806-C-A.
Other names: c.817G>T, p.Val273Phe (NM_001008389.3, NM_001378232.1, NM_001378233.1 and 3 more transcripts); c.916G>T, p.Val306Phe (NM_001278614.2); short protein forms V273F, V306F.
Identifiers: ClinVar variation 12264 (VCV000012264.8), dbSNP rs121917774, ClinGen allele CA256256.

ClinVar aggregate classification (germline): Likely pathogenic. Review status: criteria provided, single submitter (1 of 4 stars). 2 submissions from 2 submitters: Likely pathogenic (1). 1 of the submissions does not count toward it. Last evaluated 2020-01-27.

Conditions:
Familial juvenile hyperuricemic nephropathy type 1 (ADTKD1). Also called: UMOD-Associated Kidney Disease; Uromodulin-associated kidney disease; Autosomal Dominant Tubulointerstitial Kidney Disease – UMOD; Glomerulocystic kidney disease with hyperuricemia and isosthenuria; Medullary cystic kidney disease 2. Identifiers: Orphanet 209886, Orphanet 34149, Orphanet 88950, MedGen C4551496, MONDO:0008073, OMIM 162000.

Submissions (2):

GeneDx
Classification: Likely pathogenic. Last evaluated: 2020-01-27. Review status: criteria provided, single submitter. Criteria: GeneDx Variant Classification Process June 2021. Collection method: clinical testing. Allele origin: germline. Affected: yes.
Comment: In vitro functional studies demonstrate that V273F has a damaging effect on protein processing and function (Dinour et al., 2014; Vylet'al et al., 2006); Not observed in large population cohorts (Lek et al., 2016); In silico analysis, which includes protein predictors and evolutionary conservation, supports a deleterious effect; This variant is associated with the following publications: (PMID: 16883323, 12634862, 24648000)

OMIM
Classification: Pathogenic for TUBULOINTERSTITIAL KIDNEY DISEASE, AUTOSOMAL DOMINANT 1. Last evaluated: 2006-09-01. Review status: no assertion criteria provided. Collection method: literature only. Allele origin: germline. Not counted in ClinVar's aggregate classification.

Literature cited by the submitters: PubMed 12634862 (cited by OMIM); PubMed 16883323 (cited by OMIM).